The following is an entry in ClinVar:

ClinVar aggregate classification (germline): Uncertain significance (1 of 4 stars; one submission).

Conditions:
Cardiovascular phenotype. Identifiers: MedGen CN230736.

Submission:

Molecular Diagnostic Laboratory for Inherited Cardiovascular Disease, Montreal Heart Institute
Classification: Uncertain significance for Cardiovascular phenotype. Last evaluated: 2025-07-24. Review status: criteria provided, single submitter. Criteria: ACMG Guidelines, 2015. Collection method: clinical testing. Allele origin: germline. Affected: yes.
Comment: PVS1_mod, PM2

NM_000384.3(APOB):c.13295_13296del (p.Phe4432fs)

Gene: APOB (apolipoprotein B; minus strand). Cytogenetic location: 2p24.1.
Variant type: Deletion.
Coding change: c.13295_13296del on transcript NM_000384.3 (MANE Select); coding-DNA positions 13295 to 13296, 2 bases deleted (TT; older notation c.13295_13296delTT).
Protein change: p.Phe4432fs; shifts the reading frame from phenylalanine 4432.
Molecular consequence: frameshift variant.
Genome position (GRCh38, 1-based): chr2:21,002,126-21,002,127, AA deleted on the plus strand (TT on the coding strand, the reverse complement: APOB is on the minus strand); deleting any 2 consecutive bases within chr2:21,002,126-21,002,128 gives the same sequence; the c. name uses the placement nearest the transcript's 3' end. VCF-style (leftmost placement, unchanged base first): chr2-21002125-TAA-T. GRCh37 (hg19) VCF-style: chr2-21224997-TAA-T.
Other names: short protein forms F4432fs.
Identifiers: ClinVar variation 4076413 (VCV004076413.1).
Genomic context (GRCh38, chr2:21,002,125, plus strand): 5'-TAAGATATTCCTGAATATTTCTGTGCAGAAATTGCTCAACTTGACTTGAGAGTTGGGAAG[TAA>T]AGTTAGAGGCACTGACAATATATTCAGAATGGAAGTCCTTAAGAGCAACTAACAGGTTCT-3'